The following is an entry in ClinVar:

ClinVar aggregate classification (germline): Likely pathogenic (1 of 4 stars; one submission).

Conditions:
Glucocorticoid deficiency with achalasia (AAAS). Also called: ALACRIMA-ACHALASIA-ADRENAL INSUFFICIENCY NEUROLOGIC DISORDER; AAA syndrome; Allgrove syndrome; Addisonian achalasia syndrome; Achalasia-addisonianism-alacrimia syndrome; Achalasia-Addisonianism-Alacrima (Triple-A) Syndrome. Identifiers: Orphanet 869, MedGen C0271742, MONDO:0009279, OMIM 231550.

Submission:

Genetics Research Center, University of Social Welfare and Rehabilitation Sciences
Classification: Likely pathogenic for Glucocorticoid deficiency with achalasia. Last evaluated: 2026-07-28. Review status: criteria provided, single submitter. Criteria: ACMG Guidelines, 2015. Collection method: clinical testing. Allele origin: germline. Inheritance: Autosomal recessive inheritance. Affected: yes. Observed: 1 variant allele, 1 compound heterozygote.
Comment: The variant causes a missense change involving the alteration of a conserved nucleotide (PhyloP100: 8.21). The variant is absent from the gnomAD population database. In silico tools predict a damaging outcome for this variant ( REVEL = 0.96). The variant was observed in trans with a pathogenic variant, c.1066_1067del. Overall, the variant meets PM2, PP1, and PP3 ACMG criteria.

NM_015665.6(AAAS):c.626T>C (p.Leu209Ser)

Gene: AAAS (aladin WD repeat nucleoporin; minus strand). Cytogenetic location: 12q13.13.
Variant type: single nucleotide variant.
Coding change: c.626T>C on transcript NM_015665.6 (MANE Select); coding-DNA position 626, T replaced by C.
Protein change: p.Leu209Ser; replaces leucine 209 with serine.
Molecular consequence: missense variant.
Genome position (GRCh38, 1-based): chr12:53,314,361, A>G on the plus strand (T>C on the coding strand, the complement: AAAS is on the minus strand). VCF-style: chr12-53314361-A-G. GRCh37 (hg19) VCF-style: chr12-53708145-A-G.
Other names: c.527T>C, p.Leu176Ser (NM_001173466.2); short protein forms L176S, L209S.
Identifiers: ClinVar variation 4879880 (VCV004879880.1).
Genomic context (GRCh38, chr12:53,314,361, plus strand): 5'-GTAGACAAGGAGGTAGGGTCCAGGGTCCAGATAAGAATGCAGCTCTGGCAGGCCACAGCC[A>G]AGACAGAGGCACTAAGGGGCTTCCAGGCCAGAGACGCCACATTTCGCTGCAGCCGGTGCT-3'
Protein context (NP_056480.1, residues 199-219): LAWKPLSASV[Leu209Ser]AVACQSCILI